The following is an entry in ClinVar:

NM_001378452.1(ITPR1):c.4583T>C (p.Val1528Ala)

Gene: ITPR1 (inositol 1,4,5-trisphosphate receptor type 1; plus strand). Cytogenetic location: 3p26.1.
Variant type: single nucleotide variant.
Coding change: c.4583T>C on transcript NM_001378452.1 (MANE Select); coding-DNA position 4583, T replaced by C.
Protein change: p.Val1528Ala; replaces valine 1528 with alanine.
Molecular consequence: missense variant.
Genome position (GRCh38, 1-based): chr3:4,702,876, T>C. VCF-style: chr3-4702876-T-C. GRCh37 (hg19) VCF-style: chr3-4744560-T-C.
Other names: c.4556T>C, p.Val1519Ala (NM_001099952.4); c.4538T>C, p.Val1513Ala (NM_001168272.2); c.4511T>C, p.Val1504Ala (NM_002222.7); c.4511T>C (NM_002222.5); short protein forms V1513A, V1504A, V1528A, V1519A.
Identifiers: ClinVar variation 1968801 (VCV001968801.6), dbSNP rs1051890518, ClinGen allele CA68805139.

ClinVar aggregate classification (germline): Uncertain significance. Review status: criteria provided, multiple submitters, no conflicts (2 of 4 stars). 2 submissions from 2 submitters: Uncertain significance (2). Last evaluated 2025-09-08.

Conditions:
Inborn genetic diseases. Identifiers: MedGen C0950123, MeSH D030342.

Allele frequency attached by ClinVar (database versions not stated): gnomAD exomes below 0.00001; gnomAD 0.00001; TOPMed 0.00002.
gnomAD v4.1: 5 of 1,613,812 alleles (0.00031%); highest among the groups gnomAD compares: Admixed American, 0.005%; no homozygotes.

Submissions (2):

Ambry Genetics
Classification: Uncertain significance for Inborn genetic diseases. Last evaluated: 2025-09-08. Review status: criteria provided, single submitter. Criteria: Ambry Variant Classification Scheme 2023. Collection method: clinical testing. Allele origin: germline.

Labcorp Genetics (formerly Invitae), Labcorp
Classification: Uncertain significance. Last evaluated: 2024-10-15. Review status: criteria provided, single submitter. Criteria: Invitae Variant Classification Sherloc (09022015). Collection method: clinical testing. Allele origin: germline.
Comment: This sequence change replaces valine, which is neutral and non-polar, with alanine, which is neutral and non-polar, at codon 1504 of the ITPR1 protein (p.Val1504Ala). This variant is present in population databases (no rsID available, gnomAD 0.003%). This variant has not been reported in the literature in individuals affected with ITPR1-related conditions. ClinVar contains an entry for this variant (Variation ID: 1968801). Invitae Evidence Modeling of protein sequence and biophysical properties (such as structural, functional, and spatial information, amino acid conservation, physicochemical variation, residue mobility, and thermodynamic stability) has been performed for this missense variant. However, the output from this modeling did not meet the statistical confidence thresholds required to predict the impact of this variant on ITPR1 protein function. In summary, the available evidence is currently insufficient to determine the role of this variant in disease. Therefore, it has been classified as a Variant of Uncertain Significance.